The following is an entry in ClinVar:

ClinVar aggregate classification (germline): Uncertain significance (1 of 4 stars; one submission).

Conditions:
Combined immunodeficiency due to STIM1 deficiency. Also called: IMMUNODEFICIENCY 10; STIM1 DEFICIENCY. Identifiers: Orphanet 169090, Orphanet 317430, MedGen C2748557, MONDO:0013008, OMIM 612783.
Myopathy with tubular aggregates (TAM). Also called: Tubular Aggregate Myopathy. Identifiers: Orphanet 2593, MedGen C0410207, MONDO:0008051.
Stormorken syndrome (STRMK). Also called: THROMBOCYTOPATHY, ASPLENIA, AND MIOSIS. Identifiers: Orphanet 3204, MedGen C1861451, MONDO:0008497, OMIM 185070.

Submission:

Labcorp Genetics (formerly Invitae), Labcorp
Classification: Uncertain significance for Myopathy with tubular aggregates; Combined immunodeficiency due to STIM1 deficiency; Stormorken syndrome. Last evaluated: 2024-01-11. Review status: criteria provided, single submitter. Criteria: Invitae Variant Classification Sherloc (09022015). Collection method: clinical testing. Allele origin: germline.
Comment: This sequence change replaces alanine, which is neutral and non-polar, with serine, which is neutral and polar, at codon 603 of the STIM1 protein (p.Ala603Ser). This variant is not present in population databases (gnomAD no frequency). This variant has not been reported in the literature in individuals affected with STIM1-related conditions. Advanced modeling of protein sequence and biophysical properties (such as structural, functional, and spatial information, amino acid conservation, physicochemical variation, residue mobility, and thermodynamic stability) has been performed at Invitae for this missense variant, however the output from this modeling did not meet the statistical confidence thresholds required to predict the impact of this variant on STIM1 protein function. In summary, the available evidence is currently insufficient to determine the role of this variant in disease. Therefore, it has been classified as a Variant of Uncertain Significance.

NM_001382567.1(STIM1):c.1900G>T (p.Ala634Ser)

Genes: STIM1 (stromal interaction molecule 1; plus strand), LOC124418421 (Sharpr-MPRA regulatory region 9588; plus strand). Cytogenetic location: 11p15.4.
Variant type: single nucleotide variant.
Coding change: c.1900G>T on transcript NM_001382567.1 (MANE Select); coding-DNA position 1900, G replaced by T.
Protein change: p.Ala634Ser; replaces alanine 634 with serine.
Molecular consequence: missense variant. On other transcripts: 3 prime UTR variant (4), non-coding transcript variant (3).
Genome position (GRCh38, 1-based): chr11:4,091,547, G>T. VCF-style: chr11-4091547-G-T. GRCh37 (hg19) VCF-style: chr11-4112777-G-T.
Other names: c.2125G>T, p.Ala709Ser (NM_001277961.3); c.*221G>T (NM_001277962.2, NM_001382578.1, NM_001382579.1 and 1 more transcripts); c.1903G>T, p.Ala635Ser (NM_001382566.1); c.1828G>T, p.Ala610Ser (NM_001382568.1); c.1672G>T, p.Ala558Ser (NM_001382569.1); c.1579G>T, p.Ala527Ser (NM_001382570.1); c.1327G>T, p.Ala443Ser (NM_001382571.1); c.1585G>T, p.Ala529Ser (NM_001382575.1, NM_001382576.1, NM_001382577.1); and 2 more; short protein forms A440S, A443S, A635S, A558S, A603S, A634S, A709S, A527S.
Identifiers: ClinVar variation 2940280 (VCV002940280.3), dbSNP rs2498544731, ClinGen allele CA379197461.